The following is an entry in ClinVar:

ClinVar aggregate classification (germline): Uncertain significance. Review status: criteria provided, multiple submitters, no conflicts (2 of 4 stars). 2 submissions from 2 submitters: Uncertain significance (2). Last evaluated 2026-09-26.

Conditions:
MAP1B-related disorder. Also called: MAP1B-related condition.
Inborn genetic diseases. Identifiers: MedGen C0950123, MeSH D030342.

gnomAD v4.1: 10 of 1,614,032 alleles (0.00062%); highest among the groups gnomAD compares: Non-Finnish European, 0.00076%; no homozygotes.

Submissions (2):

PreventionGenetics, part of Exact Sciences
Classification: Uncertain significance for MAP1B-related condition. Last evaluated: 2026-09-26. Review status: criteria provided, single submitter. Criteria: ACMG Guidelines, 2015. Collection method: clinical testing. Allele origin: germline.
Comment: The MAP1B c.2746G>A variant is predicted to result in the amino acid substitution p.Glu916Lys. To our knowledge, this variant has not been reported in the literature or in a large population database (gnomAD), indicating this variant is rare. At this time, the clinical significance of this variant is uncertain due to the absence of conclusive functional and genetic evidence.

Ambry Genetics
Classification: Uncertain significance for Inborn genetic diseases. Last evaluated: 2025-05-26. Review status: criteria provided, single submitter. Criteria: Ambry Variant Classification Scheme 2023. Collection method: clinical testing. Allele origin: germline.

NM_005909.5(MAP1B):c.2746G>A (p.Glu916Lys)

Gene: MAP1B (microtubule associated protein 1B; plus strand). Cytogenetic location: 5q13.2.
Variant type: single nucleotide variant.
Coding change: c.2746G>A on transcript NM_005909.5 (MANE Select); coding-DNA position 2746, G replaced by A.
Protein change: p.Glu916Lys; replaces glutamic acid 916 with lysine.
Molecular consequence: missense variant.
Genome position (GRCh38, 1-based): chr5:72,196,101, G>A. VCF-style: chr5-72196101-G-A. GRCh37 (hg19) VCF-style: chr5-71491928-G-A.
Other names: c.2746G>A (NM_005909.4); c.2368G>A, p.Glu790Lys (NM_001324255.2); short protein forms E790K, E916K.
Identifiers: ClinVar variation 4051114 (VCV004051114.2).
Genomic context (GRCh38, chr5:72,196,101, plus strand): 5'-ATCACTACCACTGAAGGGGAGGGCGAATGTGAACAGACACCTGAGGAGCTGGAGCCCGTC[G>A]AGAAGCAGGGAGTAGACGACATTGAAAAATTTGAAGATGAAGGAGCCGGTTTTGAAGAAT-3'
Protein context (NP_005900.2, residues 906-926): EQTPEELEPV[Glu916Lys]KQGVDDIEKF